The following is an entry in ClinVar:

ClinVar aggregate classification (germline): Uncertain significance. Review status: criteria provided, multiple submitters, no conflicts (2 of 4 stars). 3 submissions from 3 submitters: Uncertain significance (3). Last evaluated 2026-01-20.

Conditions:
Cardiovascular phenotype. Identifiers: MedGen CN230736.
Aortic valve disease 2 (AOVD2). Identifiers: MedGen C3542024, MONDO:0013902, OMIM 614823.

Allele frequency attached by ClinVar (database versions not stated): gnomAD 0.00001; gnomAD exomes 0.00001; TOPMed 0.00002.
gnomAD v4.1: 10 of 1,613,878 alleles (0.00062%); highest among the groups gnomAD compares: East Asian, 0.0022%; no homozygotes.

Submissions (3):

GeneDx
Classification: Uncertain significance. Last evaluated: 2026-01-20. Review status: criteria provided, single submitter. Criteria: GeneDx Variant Classification Process June 2021. Collection method: clinical testing. Allele origin: germline. Affected: yes.
Comment: In silico analysis suggests that this missense variant does not alter protein structure/function; Has not been previously published as pathogenic or benign to our knowledge

Ambry Genetics
Classification: Uncertain significance for Cardiovascular phenotype. Last evaluated: 2024-12-20. Review status: criteria provided, single submitter. Criteria: Ambry Variant Classification Scheme 2023. Collection method: clinical testing. Allele origin: germline.
Comment: The p.R375Q variant (also known as c.1124G>A), located in coding exon 8 of the TBX5 gene, results from a G to A substitution at nucleotide position 1124. The arginine at codon 375 is replaced by glutamine, an amino acid with highly similar properties. This amino acid position is highly conserved in available vertebrate species. In addition, the in silico prediction for this alteration is inconclusive. Since supporting evidence is limited at this time, the clinical significance of this alteration remains unclear.

Labcorp Genetics (formerly Invitae), Labcorp
Classification: Uncertain significance for Aortic valve disease 2. Last evaluated: 2019-04-11. Review status: criteria provided, single submitter. Criteria: Invitae Variant Classification Sherloc (09022015). Collection method: clinical testing. Allele origin: germline.
Comment: This sequence change replaces arginine with glutamine at codon 375 of the TBX5 protein (p.Arg375Gln). The arginine residue is highly conserved and there is a small physicochemical difference between arginine and glutamine. This variant is not present in population databases (ExAC no frequency). This variant has not been reported in the literature in individuals with TBX5-related conditions. Algorithms developed to predict the effect of missense changes on protein structure and function (SIFT, PolyPhen-2, Align-GVGD) all suggest that this variant is likely to be disruptive, but these predictions have not been confirmed by published functional studies and their clinical significance is uncertain. In summary, the available evidence is currently insufficient to determine the role of this variant in disease. Therefore, it has been classified as a Variant of Uncertain Significance.

NM_181486.4(TBX5):c.1124G>A (p.Arg375Gln)

Gene: TBX5 (T-box transcription factor 5; minus strand). Cytogenetic location: 12q24.21.
Variant type: single nucleotide variant.
Coding change: c.1124G>A on transcript NM_181486.4 (MANE Select); coding-DNA position 1124, G replaced by A.
Protein change: p.Arg375Gln; replaces arginine 375 with glutamine.
Molecular consequence: missense variant.
Genome position (GRCh38, 1-based): chr12:114,355,965, C>T on the plus strand (G>A on the coding strand, the complement: TBX5 is on the minus strand). VCF-style: chr12-114355965-C-T. GRCh37 (hg19) VCF-style: chr12-114793770-C-T.
Other names: c.1124G>A, p.Arg375Gln (NM_000192.3); c.974G>A, p.Arg325Gln (NM_080717.4); short protein forms R325Q, R375Q.
Identifiers: ClinVar variation 837719 (VCV000837719.7), dbSNP rs1486871388, ClinGen allele CA386925737.